The following is an entry in ClinVar:

ClinVar aggregate classification (germline): Uncertain significance (1 of 4 stars; one submission).

Conditions:
RASopathy. Also called: rasopathies; Noonan spectrum disorder. Identifiers: Orphanet 536391, MedGen C5555857, MONDO:0021060.

Allele frequency attached by ClinVar (database versions not stated): gnomAD exomes below 0.00001; ExAC 0.00001.
gnomAD v4.1: 1 of 1,611,742 alleles (0.000062%); highest among the groups gnomAD compares: Non-Finnish European, 0.000085%; no homozygotes.

Submission:

Labcorp Genetics (formerly Invitae), Labcorp
Classification: Uncertain significance for RASopathy. Last evaluated: 2024-05-15. Review status: criteria provided, single submitter. Criteria: Invitae Variant Classification Sherloc (09022015). Collection method: clinical testing. Allele origin: germline.
Comment: This sequence change replaces isoleucine, which is neutral and non-polar, with valine, which is neutral and non-polar, at codon 736 of the SOS1 protein (p.Ile736Val). This variant is present in population databases (rs752706487, gnomAD 0.0009%). This missense change has been observed in individual(s) with clinical features of Noonan syndrome (PMID: 29907801). ClinVar contains an entry for this variant (Variation ID: 1906442). Advanced modeling of protein sequence and biophysical properties (such as structural, functional, and spatial information, amino acid conservation, physicochemical variation, residue mobility, and thermodynamic stability) has been performed at Invitae for this missense variant, however the output from this modeling did not meet the statistical confidence thresholds required to predict the impact of this variant on SOS1 protein function. In summary, the available evidence is currently insufficient to determine the role of this variant in disease. Therefore, it has been classified as a Variant of Uncertain Significance.

Literature cited by the submitters: PubMed 29907801.

NM_005633.4(SOS1):c.2206A>G (p.Ile736Val)

Gene: SOS1 (SOS Ras/Rac guanine nucleotide exchange factor 1; minus strand). Cytogenetic location: 2p22.1.
Variant type: single nucleotide variant.
Coding change: c.2206A>G on transcript NM_005633.4 (MANE Select); coding-DNA position 2206, A replaced by G.
Protein change: p.Ile736Val; replaces isoleucine 736 with valine.
Molecular consequence: missense variant.
Genome position (GRCh38, 1-based): chr2:39,012,310, T>C on the plus strand (A>G on the coding strand, the complement: SOS1 is on the minus strand). VCF-style: chr2-39012310-T-C. GRCh37 (hg19) VCF-style: chr2-39239451-T-C.
Other names: c.2185A>G, p.Ile729Val (NM_001382394.1); c.2206A>G, p.Ile736Val (NM_001382395.1); short protein forms I729V, I736V.
Identifiers: ClinVar variation 1906442 (VCV001906442.5), dbSNP rs752706487, ClinGen allele CA1624441.
Genomic context (GRCh38, chr2:39,012,310, plus strand): 5'-TCTGAAATGTAATATTATGACCTGGTCCATTGTCTCTTGCAATTTTTTTCCTTTGGATTA[T>C]TTTAGTGATGGATTCAACCCATTTTTTCATTGCTTTACCTGCAATACATTATATTTTAAA-3'
Protein context (NP_005624.2, residues 726-746): MKKWVESITK[Ile736Val]IQRKKIARDN